The following is an entry in ClinVar:

ClinVar aggregate classification (germline): Uncertain significance. Review status: criteria provided, multiple submitters, no conflicts (2 of 4 stars). 2 submissions from 2 submitters: Uncertain significance (2). Last evaluated 2025-03-17.

Allele frequency attached by ClinVar (database versions not stated): TOPMed below 0.00001; gnomAD exomes 0.00001.
gnomAD v4.1: 6 of 1,614,148 alleles (0.00037%); highest among the groups gnomAD compares: Admixed American, 0.005%; no homozygotes.

Submissions (2):

Labcorp Genetics (formerly Invitae), Labcorp
Classification: Uncertain significance. Last evaluated: 2025-03-17. Review status: criteria provided, single submitter. Criteria: Invitae Variant Classification Sherloc (09022015). Collection method: clinical testing. Allele origin: germline.
Comment: This sequence change replaces glutamic acid, which is acidic and polar, with glutamine, which is neutral and polar, at codon 496 of the TOPORS protein (p.Glu496Gln). This variant is present in population databases (no rsID available, gnomAD 0.006%). This variant has not been reported in the literature in individuals affected with TOPORS-related conditions. ClinVar contains an entry for this variant (Variation ID: 1018698). An algorithm developed to predict the effect of missense changes on protein structure and function (PolyPhen-2) suggests that this variant is likely to be disruptive. In summary, the available evidence is currently insufficient to determine the role of this variant in disease. Therefore, it has been classified as a Variant of Uncertain Significance.

Blueprint Genetics
Classification: Uncertain significance. Last evaluated: 2023-01-19. Review status: criteria provided, single submitter. Criteria: ACMG Guidelines, 2015. Collection method: clinical testing. Allele origin: germline.

NM_005802.5(TOPORS):c.1486G>C (p.Glu496Gln)

Gene: TOPORS (TOP1 binding arginine/serine rich protein, E3 ubiquitin ligase; minus strand). Cytogenetic location: 9p21.1.
Variant type: single nucleotide variant.
Coding change: c.1486G>C on transcript NM_005802.5 (MANE Select); coding-DNA position 1486, G replaced by C.
Protein change: p.Glu496Gln; replaces glutamic acid 496 with glutamine.
Molecular consequence: missense variant.
Genome position (GRCh38, 1-based): chr9:32,543,039, C>G on the plus strand (G>C on the coding strand, the complement: TOPORS is on the minus strand). VCF-style: chr9-32543039-C-G. GRCh37 (hg19) VCF-style: chr9-32543037-C-G.
Other names: c.1291G>C, p.Glu431Gln (NM_001195622.2); short protein forms E431Q, E496Q.
Identifiers: ClinVar variation 1018698 (VCV001018698.11), dbSNP rs1166024557, ClinGen allele CA373169818.